The following is an entry in ClinVar:

NM_000059.4(BRCA2):c.1349C>T (p.Ser450Phe)

Gene: BRCA2 (BRCA2 DNA repair associated; plus strand). Cytogenetic location: 13q13.1.
Variant type: single nucleotide variant.
Coding change: c.1349C>T on transcript NM_000059.4 (MANE Select); coding-DNA position 1349, C replaced by T.
Protein change: p.Ser450Phe; replaces serine 450 with phenylalanine.
Molecular consequence: missense variant.
Genome position (GRCh38, 1-based): chr13:32,332,827, C>T. VCF-style: chr13-32332827-C-T. GRCh37 (hg19) VCF-style: chr13-32906964-C-T.
Other names: short protein forms S450F.
Identifiers: ClinVar variation 851604 (VCV000851604.11), dbSNP rs876659037, ClinGen allele CA387762770.

ClinVar aggregate classification (germline): Conflicting classifications of pathogenicity. Review status: criteria provided, conflicting classifications (1 of 4 stars). 2 submissions from 2 submitters: Uncertain significance (1); Likely benign (1). Last evaluated 2023-03-23.

Conditions:
Hereditary breast ovarian cancer syndrome. Also called: Hereditary breast and ovarian cancer syndrome; Breast and ovarian cancer; Hereditary breast and/or ovarian cancer syndrome; Hereditary breast and ovarian cancer; BRCA1- and BRCA2-Associated Hereditary Breast and Ovarian Cancer; Hereditary breast and ovarian cancer syndrome (HBOC). Identifiers: Orphanet 145, MedGen C0677776, MeSH D061325, MONDO:0003582. Disease mechanism: loss of function.
Hereditary cancer-predisposing syndrome. Also called: Tumor predisposition; Neoplastic Syndromes, Hereditary; Hereditary neoplastic syndrome; Hereditary Cancer Syndrome. Identifiers: Orphanet 140162, MedGen C0027672, MeSH D009386, MONDO:0015356.

Submissions (2):

University of Washington Department of Laboratory Medicine, University of Washington
Classification: Likely benign for Hereditary cancer-predisposing syndrome. Last evaluated: 2023-03-23. Review status: criteria provided, single submitter. Criteria: Dines et al. (Genet Med. 2020). Collection method: curation. Allele origin: germline.
Comment: Missense variant in a coldspot region where missense variants are very unlikely to be pathogenic (PMID:31911673).

BRCA2 exon 10 coldspot. Reclassification based on statistical prior probability.

Labcorp Genetics (formerly Invitae), Labcorp
Classification: Uncertain significance for Hereditary breast ovarian cancer syndrome. Last evaluated: 2019-06-06. Review status: criteria provided, single submitter. Criteria: Invitae Variant Classification Sherloc (09022015). Collection method: clinical testing. Allele origin: germline.
Comment: This sequence change replaces serine with phenylalanine at codon 450 of the BRCA2 protein (p.Ser450Phe). The serine residue is weakly conserved and there is a large physicochemical difference between serine and phenylalanine. In summary, the available evidence is currently insufficient to determine the role of this variant in disease. Therefore, it has been classified as a Variant of Uncertain Significance. Algorithms developed to predict the effect of missense changes on protein structure and function output the following: SIFT: "Tolerated"; PolyPhen-2: "Possibly Damaging"; Align-GVGD: "Class C0". The phenylalanine amino acid residue is found in multiple mammalian species, suggesting that this missense change does not adversely affect protein function. These predictions have not been confirmed by published functional studies and their clinical significance is uncertain. This variant has not been reported in the literature in individuals with BRCA2-related conditions. This variant is not present in population databases (ExAC no frequency).